The following is an entry in ClinVar:

NM_004168.4(SDHA):c.421T>C (p.Tyr141His)

Gene: SDHA (succinate dehydrogenase complex flavoprotein subunit A; plus strand). Cytogenetic location: 5p15.33.
Variant type: single nucleotide variant.
Coding change: c.421T>C on transcript NM_004168.4 (MANE Select); coding-DNA position 421, T replaced by C.
Protein change: p.Tyr141His; replaces tyrosine 141 with histidine.
Molecular consequence: missense variant. On other transcripts: intron variant (1).
Genome position (GRCh38, 1-based): chr5:225,527, T>C. VCF-style: chr5-225527-T-C. GRCh37 (hg19) VCF-style: chr5-225642-T-C.
Other names: c.421T>C, p.Tyr141His (NM_001330758.2); c.313-356T>C (NM_001294332.2); c.421T>C (NM_004168.2); short protein forms Y141H.
Identifiers: ClinVar variation 654288 (VCV000654288.15), dbSNP rs1553997643, ClinGen allele CA359009581.

ClinVar aggregate classification (germline): Uncertain significance. Review status: criteria provided, multiple submitters, no conflicts (2 of 4 stars). 4 submissions from 4 submitters: Uncertain significance (3). 1 of the submissions does not count toward it. Last evaluated 2024-10-12.

Conditions:
Mitochondrial complex II deficiency, nuclear type 1. Also called: SUCCINATE CoQ REDUCTASE DEFICIENCY. Identifiers: Orphanet 3208, MedGen C5700310, MONDO:0100294, OMIM 252011.
Pheochromocytoma/paraganglioma syndrome 5. Also called: Paragangliomas 5; SDHA-Related Hereditary Paraganglioma-Pheochromocytoma Syndrome. Identifiers: Orphanet 29072, MedGen C3279992, MONDO:0013602, OMIM 614165.
Neurodegeneration with ataxia and late-onset optic atrophy. Identifiers: MedGen C5543254, MONDO:0031006, OMIM 619259.
SDHA-related disorder. Also called: SDHA-related disorders; SDHA-related condition.
Hereditary cancer-predisposing syndrome. Also called: Tumor predisposition; Hereditary neoplastic syndrome; Hereditary Cancer Syndrome; Neoplastic Syndromes, Hereditary. Identifiers: Orphanet 140162, MedGen C0027672, MeSH D009386, MONDO:0015356.

Allele frequency attached by ClinVar (database versions not stated): gnomAD exomes 0.00001.
gnomAD v4.1: 8 of 1,613,832 alleles (0.0005%); highest among the groups gnomAD compares: South Asian, 0.0077%; no homozygotes.

Submissions (4):

PreventionGenetics, part of Exact Sciences
Classification: Uncertain significance for SDHA-related condition. Last evaluated: 2024-10-12. Review status: criteria provided, single submitter. Criteria: ACMG Guidelines, 2015. Collection method: clinical testing. Allele origin: germline.
Comment: The SDHA c.421T>C variant is predicted to result in the amino acid substitution p.Tyr141His. To our knowledge, this variant has not been reported in the literature or in a large population database (gnomAD), indicating this variant is rare. At this time, the clinical significance of this variant is uncertain due to the absence of conclusive functional and genetic evidence.

Ambry Genetics
Classification: Uncertain significance for Hereditary cancer-predisposing syndrome. Last evaluated: 2023-11-16. Review status: criteria provided, single submitter. Criteria: Ambry Variant Classification Scheme 2023. Collection method: clinical testing. Allele origin: germline.
Comment: The p.Y141H variant (also known as c.421T>C), located in coding exon 4 of the SDHA gene, results from a T to C substitution at nucleotide position 421. The tyrosine at codon 141 is replaced by histidine, an amino acid with similar properties. This amino acid position is conserved. In addition, this alteration is predicted to be deleterious by in silico analysis. Since supporting evidence is limited at this time, the clinical significance of this alteration remains unclear.

Labcorp Genetics (formerly Invitae), Labcorp
Classification: Uncertain significance for Pheochromocytoma/paraganglioma syndrome 5; Mitochondrial complex II deficiency, nuclear type 1. Last evaluated: 2023-01-10. Review status: criteria provided, single submitter. Criteria: Invitae Variant Classification Sherloc (09022015). Collection method: clinical testing. Allele origin: germline.
Comment: Advanced modeling of protein sequence and biophysical properties (such as structural, functional, and spatial information, amino acid conservation, physicochemical variation, residue mobility, and thermodynamic stability) performed at Invitae indicates that this missense variant is not expected to disrupt SDHA protein function. In summary, the available evidence is currently insufficient to determine the role of this variant in disease. Therefore, it has been classified as a Variant of Uncertain Significance. ClinVar contains an entry for this variant (Variation ID: 654288). This variant has not been reported in the literature in individuals affected with SDHA-related conditions. This variant is not present in population databases (gnomAD no frequency). This sequence change replaces tyrosine, which is neutral and polar, with histidine, which is basic and polar, at codon 141 of the SDHA protein (p.Tyr141His).

Clinical Genetics Laboratory, University Hospital Schleswig-Holstein
Classification: Uncertain significance for Neurodegeneration with ataxia and late-onset optic atrophy. Last evaluated: 2021-12-01. Review status: no assertion criteria provided. Collection method: clinical testing. Allele origin: germline. Affected: yes. Not counted in ClinVar's aggregate classification.